The following is an entry in ClinVar:

NR_023317.1(RNU7-1):n.41T>C

Genes: C12orf57 (chromosome 12 open reading frame 57; plus strand), RNU7-1 (RNA, U7 small nuclear 1; plus strand). Cytogenetic location: 12p13.31.
Variant type: single nucleotide variant.
Molecular consequence: non-coding transcript variant (on NR_023317.1). On other transcripts: intron variant (2).
Genome position: GRCh38 VCF-style: chr12-6943856-T-C. GRCh37 (hg19) VCF-style: chr12-7053019-T-C.
Other names: c.13+194T>C (NM_001301836.2); c.-16+194T>C (NM_001301834.1).
Identifiers: ClinVar variation 2578675 (VCV002578675.23), dbSNP rs782444004, ClinGen allele CA383743502.

ClinVar aggregate classification (germline): Likely benign (1 of 4 stars; one submission).

Allele frequency attached by ClinVar (database versions not stated): 1000 Genomes Project 0.00040.
gnomAD v4.1: 306 of 932,388 alleles (0.033%); highest among the groups gnomAD compares: South Asian, 0.31%; 4 homozygotes.

Submission:

CeGaT Center for Human Genetics Tuebingen
Classification: Likely benign. Last evaluated: 2023-08-01. Review status: criteria provided, single submitter. Criteria: CeGaT Center For Human Genetics Tuebingen Variant Classification Criteria Version 2. Collection method: clinical testing. Allele origin: germline. Affected: yes. Observed: 1 variant allele.
Comment: RNU7-1: BS2